The following is an entry in ClinVar:

ClinVar aggregate classification (germline): Uncertain significance. Review status: criteria provided, multiple submitters, no conflicts (2 of 4 stars). 3 submissions from 3 submitters: Uncertain significance (3). Last evaluated 2025-03-27.

Allele frequency attached by ClinVar (database versions not stated): TOPMed 0.00002.

Submissions (3):

Labcorp Genetics (formerly Invitae), Labcorp
Classification: Uncertain significance. Last evaluated: 2025-03-27. Review status: criteria provided, single submitter. Criteria: Invitae Variant Classification Sherloc (09022015). Collection method: clinical testing. Allele origin: germline.
Comment: This sequence change replaces arginine, which is basic and polar, with glutamine, which is neutral and polar, at codon 111 of the SEPT9 protein (p.Arg111Gln). The frequency data for this variant in the population databases is considered unreliable, as metrics indicate poor data quality at this position in the gnomAD database. This variant has not been reported in the literature in individuals affected with SEPT9-related conditions. ClinVar contains an entry for this variant (Variation ID: 1302500). Invitae Evidence Modeling of protein sequence and biophysical properties (such as structural, functional, and spatial information, amino acid conservation, physicochemical variation, residue mobility, and thermodynamic stability) indicates that this missense variant is not expected to disrupt SEPT9 protein function with a negative predictive value of 80%. In summary, the available evidence is currently insufficient to determine the role of this variant in disease. Therefore, it has been classified as a Variant of Uncertain Significance.

Blueprint Genetics
Classification: Uncertain significance. Last evaluated: 2024-07-16. Review status: criteria provided, single submitter. Criteria: ACMG Guidelines, 2015. Collection method: clinical testing. Allele origin: germline.

GeneDx
Classification: Uncertain significance. Last evaluated: 2019-05-30. Review status: criteria provided, single submitter. Criteria: GeneDx Variant Classification Process June 2021. Collection method: clinical testing. Allele origin: germline. Affected: yes.
Comment: In silico analysis, which includes protein predictors and evolutionary conservation, supports that this variant does not alter protein structure/function; Has not been previously published as pathogenic or benign to our knowledge

NM_001113491.2(SEPTIN9):c.386G>A (p.Arg129Gln)

Gene: SEPTIN9 (septin 9; plus strand). Cytogenetic location: 17q25.3.
Variant type: single nucleotide variant.
Coding change: c.386G>A on transcript NM_001113491.2 (MANE Select); coding-DNA position 386, G replaced by A.
Protein change: p.Arg129Gln; replaces arginine 129 with glutamine.
Molecular consequence: missense variant. On other transcripts: 5 prime UTR variant (2).
Genome position (GRCh38, 1-based): chr17:77,402,368, G>A. VCF-style: chr17-77402368-G-A. GRCh37 (hg19) VCF-style: chr17-75398450-G-A.
Other names: c.-107G>A (NM_001113492.2, NM_001113494.1); c.365G>A, p.Arg122Gln (NM_001113493.2); c.329G>A, p.Arg110Gln (NM_001293695.2); c.332G>A, p.Arg111Gln (NM_006640.5); short protein forms R110Q, R111Q, R122Q, R129Q.
Identifiers: ClinVar variation 1302500 (VCV001302500.7), dbSNP rs754858859, ClinGen allele CA16040520.